The following is an entry in ClinVar:

NM_012388.4(BLOC1S6):c.82+1G>T

Gene: BLOC1S6 (biogenesis of lysosomal organelles complex 1 subunit 6; plus strand). Cytogenetic location: 15q21.1.
Variant type: single nucleotide variant.
Coding change: c.82+1G>T on transcript NM_012388.4 (MANE Select); the canonical splice donor site of the intron after coding-DNA position 82, G replaced by T.
Molecular consequence: splice donor variant.
Genome position (GRCh38, 1-based): chr15:45,587,526, G>T. VCF-style: chr15-45587526-G-T. GRCh37 (hg19) VCF-style: chr15-45879724-G-T.
Identifiers: ClinVar variation 2415699 (VCV002415699.6), dbSNP rs1194283484, ClinGen allele CA392297489.

ClinVar aggregate classification (germline): Likely pathogenic (1 of 4 stars; one submission).

Conditions:
Hermansky-Pudlak syndrome 9 (HPS9). Identifiers: Orphanet 280663, Orphanet 79430, MedGen C3280026, MONDO:0013606, OMIM 614171.

Allele frequency attached by ClinVar (database versions not stated): TOPMed 0.00001.
gnomAD v4.1: 3 of 1,571,724 alleles (0.00019%); highest among the groups gnomAD compares: Admixed American, 0.0037%; no homozygotes.

Submission:

Labcorp Genetics (formerly Invitae), Labcorp
Classification: Likely pathogenic for Hermansky-Pudlak syndrome 9. Last evaluated: 2022-09-14. Review status: criteria provided, single submitter. Criteria: Invitae Variant Classification Sherloc (09022015). Collection method: clinical testing. Allele origin: germline.
Comment: This sequence change affects a donor splice site in intron 1 of the BLOC1S6 gene. It is expected to disrupt RNA splicing. Variants that disrupt the donor or acceptor splice site typically lead to a loss of protein function (PMID: 16199547), and loss-of-function variants in BLOC1S6 are known to be pathogenic (PMID: 10610180, 21665000, 22461475). The frequency data for this variant in the population databases is considered unreliable, as metrics indicate poor data quality at this position in the gnomAD database. This variant has not been reported in the literature in individuals affected with BLOC1S6-related conditions. Algorithms developed to predict the effect of sequence changes on RNA splicing suggest that this variant may disrupt the consensus splice site. In summary, the currently available evidence indicates that the variant is pathogenic, but additional data are needed to prove that conclusively. Therefore, this variant has been classified as Likely Pathogenic.

Literature cited by the submitters: PubMed 16199547; PubMed 10610180; PubMed 21665000; PubMed 22461475.